The following is an entry in ClinVar:

NM_018249.6(CDK5RAP2):c.4934C>T (p.Pro1645Leu)

Gene: CDK5RAP2 (CDK5 regulatory subunit associated protein 2; minus strand). Cytogenetic location: 9q33.2.
Variant type: single nucleotide variant.
Coding change: c.4934C>T on transcript NM_018249.6 (MANE Select); coding-DNA position 4934, C replaced by T.
Protein change: p.Pro1645Leu; replaces proline 1645 with leucine.
Molecular consequence: missense variant. On other transcripts: non-coding transcript variant (5), intron variant (1).
Genome position (GRCh38, 1-based): chr9:120,407,041, G>A on the plus strand (C>T on the coding strand, the complement: CDK5RAP2 is on the minus strand). VCF-style: chr9-120407041-G-A. GRCh37 (hg19) VCF-style: chr9-123169319-G-A.
Other names: c.4244C>T, p.Pro1415Leu (NM_001272039.2); c.4835C>T, p.Pro1612Leu (NM_001410992.1); c.4838C>T, p.Pro1613Leu (NM_001410993.1); c.4931C>T, p.Pro1644Leu (NM_001410994.1); c.4726+1306C>T (NM_001011649.3); short protein forms P1415L, P1612L, P1613L, P1645L, P1644L.
Identifiers: ClinVar variation 3659790 (VCV003659790.2).

ClinVar aggregate classification (germline): Uncertain significance (1 of 4 stars; one submission).

Submission:

Labcorp Genetics (formerly Invitae), Labcorp
Classification: Uncertain significance. Last evaluated: 2024-08-31. Review status: criteria provided, single submitter. Criteria: Invitae Variant Classification Sherloc (09022015). Collection method: clinical testing. Allele origin: germline.
Comment: This sequence change replaces proline, which is neutral and non-polar, with leucine, which is neutral and non-polar, at codon 1645 of the CDK5RAP2 protein (p.Pro1645Leu). This variant is not present in population databases (gnomAD no frequency). This variant has not been reported in the literature in individuals affected with CDK5RAP2-related conditions. An algorithm developed to predict the effect of missense changes on protein structure and function (PolyPhen-2) suggests that this variant is likely to be tolerated. In summary, the available evidence is currently insufficient to determine the role of this variant in disease. Therefore, it has been classified as a Variant of Uncertain Significance.